The following is an entry in ClinVar:

ClinVar aggregate classification (germline): Uncertain significance (1 of 4 stars; one submission).

Conditions:
Fibrous dysplasia of jaw (CRBM). Also called: Cherubism. Identifiers: Orphanet 184, MedGen C0008029, MONDO:0007315, OMIM 118400.

Allele frequency attached by ClinVar (database versions not stated): gnomAD exomes 0.00002 and 0.00003; TOPMed 0.00005; gnomAD 0.00007 and 0.00008; ExAC 0.00009.
gnomAD v4.1: 42 of 1,582,930 alleles (0.0027%); highest among the groups gnomAD compares: Middle Eastern, 0.033%; no homozygotes.

Submission:

Labcorp Genetics (formerly Invitae), Labcorp
Classification: Uncertain significance for Fibrous dysplasia of jaw. Last evaluated: 2025-11-01. Review status: criteria provided, single submitter. Criteria: Invitae Variant Classification Sherloc (09022015). Collection method: clinical testing. Allele origin: germline.
Comment: This sequence change falls in intron 9 of the SH3BP2 gene. It does not directly change the encoded amino acid sequence of the SH3BP2 protein. It affects a nucleotide within the consensus splice site. This variant is present in population databases (rs766189842, gnomAD 0.008%). This variant has not been reported in the literature in individuals affected with SH3BP2-related conditions. ClinVar contains an entry for this variant (Variation ID: 663228). Variants that disrupt the consensus splice site are a relatively common cause of aberrant splicing (PMID: 17576681, 9536098). Algorithms developed to predict the effect of sequence changes on RNA splicing suggest that this variant is not likely to affect RNA splicing. In summary, the available evidence is currently insufficient to determine the role of this variant in disease. Therefore, it has been classified as a Variant of Uncertain Significance.

Literature cited by the submitters: PubMed 17576681; PubMed 9536098.

NM_001122681.2(SH3BP2):c.1350+6G>A

Gene: SH3BP2 (SH3 domain binding protein 2; plus strand). Cytogenetic location: 4p16.3.
Variant type: single nucleotide variant.
Coding change: c.1350+6G>A on transcript NM_001122681.2 (MANE Select); 6 bases into the intron after coding-DNA position 1350, G replaced by A.
Molecular consequence: intron variant.
Genome position (GRCh38, 1-based): chr4:2,831,685, G>A. VCF-style: chr4-2831685-G-A. GRCh37 (hg19) VCF-style: chr4-2833412-G-A.
Other names: c.1350+6G>A (LRG_1334t1, NM_003023.4); c.1434+6G>A (LRG_1334t2, NM_001145855.2); c.1521+6G>A (NM_001145856.2).
Identifiers: ClinVar variation 663228 (VCV000663228.6), dbSNP rs766189842, ClinGen allele CA2819468.